The following is an entry in ClinVar:

NM_001035.3(RYR2):c.8204A>G (p.Asp2735Gly)

Gene: RYR2 (ryanodine receptor 2; plus strand). Cytogenetic location: 1q43.
Variant type: single nucleotide variant.
Coding change: c.8204A>G on transcript NM_001035.3 (MANE Select); coding-DNA position 8204, A replaced by G.
Protein change: p.Asp2735Gly; replaces aspartic acid 2735 with glycine.
Molecular consequence: missense variant.
Genome position (GRCh38, 1-based): chr1:237,658,018, A>G. VCF-style: chr1-237658018-A-G. GRCh37 (hg19) VCF-style: chr1-237821318-A-G.
Other names: short protein forms D2735G.
Identifiers: ClinVar variation 1352086 (VCV001352086.10), dbSNP rs1213772557, ClinGen allele CA345401281.

ClinVar aggregate classification (germline): Uncertain significance. Review status: criteria provided, multiple submitters, no conflicts (2 of 4 stars). 2 submissions from 2 submitters: Uncertain significance (2). Last evaluated 2023-05-16.

Conditions:
Catecholaminergic polymorphic ventricular tachycardia (CVPT). Also called: Catecholamine-induced polymorphic ventricular tachycardia. Identifiers: Orphanet 3286, MedGen C5574922, MONDO:0017990.
Catecholaminergic polymorphic ventricular tachycardia 1. Also called: VENTRICULAR TACHYCARDIA, CATECHOLAMINERGIC POLYMORPHIC, 1, WITH OR WITHOUT ATRIAL DYSFUNCTION AND/OR DILATED CARDIOMYOPATHY; VENTRICULAR TACHYCARDIA, STRESS-INDUCED POLYMORPHIC 1; RYR2-Related Catecholaminergic Polymorphic Ventricular Tachycardia. Identifiers: Orphanet 3286, MedGen C1631597, MONDO:0011484, OMIM 604772.

Submissions (2):

All of Us Research Program, National Institutes of Health
Classification: Uncertain significance for Catecholaminergic polymorphic ventricular tachycardia. Last evaluated: 2023-05-16. Review status: criteria provided, single submitter. Criteria: ACMG Guidelines, 2015. Collection method: clinical testing. Allele origin: germline. Inheritance: Autosomal dominant inheritance. Observed: 1 variant allele, 1 heterozygote.
Comment: This missense variant replaces aspartic acid with glycine at codon 2735 of the RYR2 protein. Computational prediction suggests that this variant may not impact protein structure and function (internally defined REVEL score threshold <= 0.5, PMID: 27666373). To our knowledge, functional studies have not been reported for this variant. This variant has not been reported in individuals affected with RYR2-related disorders in the literature. This variant has not been identified in the general population by the Genome Aggregation Database (gnomAD). The available evidence is insufficient to determine the role of this variant in disease conclusively. Therefore, this variant is classified as a Variant of Uncertain Significance.

This study involves interpretation of variants in research participants for the purpose of population health screening. Participant phenotype was not available at the time of variant classification. Additional details can be found in publication PMID: 35346344, PMCID: PMC8962531

Labcorp Genetics (formerly Invitae), Labcorp
Classification: Uncertain significance for Catecholaminergic polymorphic ventricular tachycardia 1. Last evaluated: 2021-08-14. Review status: criteria provided, single submitter. Criteria: Invitae Variant Classification Sherloc (09022015). Collection method: clinical testing. Allele origin: germline.
Comment: This variant is not present in population databases (ExAC no frequency). This sequence change replaces aspartic acid with glycine at codon 2735 of the RYR2 protein (p.Asp2735Gly). The aspartic acid residue is highly conserved and there is a moderate physicochemical difference between aspartic acid and glycine. This variant has not been reported in the literature in individuals with RYR2-related conditions. In summary, the available evidence is currently insufficient to determine the role of this variant in disease. Therefore, it has been classified as a Variant of Uncertain Significance. Advanced modeling of protein sequence and biophysical properties (such as structural, functional, and spatial information, amino acid conservation, physicochemical variation, residue mobility, and thermodynamic stability) performed at Invitae indicates that this missense variant is not expected to disrupt RYR2 protein function.